The following is an entry in ClinVar:

NM_001301056.2(VASH2):c.717C>T (p.Tyr239=)

Gene: VASH2 (vasohibin 2; plus strand). Cytogenetic location: 1q32.3.
Variant type: single nucleotide variant.
Coding change: c.717C>T on transcript NM_001301056.2 (MANE Select); coding-DNA position 717, C replaced by T.
Protein change: p.Tyr239=; no amino-acid change (tyrosine 239 retained).
Molecular consequence: synonymous variant.
Genome position (GRCh38, 1-based): chr1:212,972,799, C>T. VCF-style: chr1-212972799-C-T. GRCh37 (hg19) VCF-style: chr1-213146141-C-T.
Other names: c.522C>T, p.Tyr174= (NM_001136474.3); c.405C>T, p.Tyr135= (NM_001136475.3); c.585C>T, p.Tyr195= (NM_024749.5).
Identifiers: ClinVar variation 2639887 (VCV002639887.24), dbSNP rs141413721, ClinGen allele CA1386398.

ClinVar aggregate classification (germline): Likely benign (1 of 4 stars; one submission).

Allele frequency attached by ClinVar (database versions not stated): 1000 Genomes Project 30x 0.00016; 1000 Genomes Project 0.00020; ESP Exome Variant Server 0.00031; TOPMed 0.00087; gnomAD exomes 0.00114; ExAC 0.00168; gnomAD 0.00195.

Submission:

CeGaT Center for Human Genetics Tuebingen
Classification: Likely benign. Last evaluated: 2022-07-01. Review status: criteria provided, single submitter. Criteria: CeGaT Center For Human Genetics Tuebingen Variant Classification Criteria Version 2. Collection method: clinical testing. Allele origin: germline. Affected: yes. Observed: 1 variant allele.
Comment: VASH2: BP4, BP7